The following is an entry in ClinVar:

NM_001308093.3(GATA4):c.253G>T (p.Gly85Cys)

Gene: GATA4 (GATA binding protein 4). Cytogenetic location: 8p23.1.
Variant type: single nucleotide variant.
Coding change: c.253G>T on transcript NM_001308093.3 (MANE Select); coding-DNA position 253, G replaced by T.
Protein change: p.Gly85Cys; replaces glycine 85 with cysteine.
Molecular consequence: missense variant. On other transcripts: intron variant (3).
Genome position (GRCh38, 1-based): chr8:11,708,565, G>T. VCF-style: chr8-11708565-G-T. GRCh37 (hg19) VCF-style: chr8-11566074-G-T.
Other names: c.253G>T, p.Gly85Cys (NM_002052.5); c.-6+7787G>T (NM_001308094.2); c.-3+551G>T (NM_001374274.1); c.-3+4261G>T (NM_001374273.1); short protein forms G85C.
Identifiers: ClinVar variation 2566793 (VCV002566793.6), dbSNP rs996002593, ClinGen allele CA172074714.

ClinVar aggregate classification (germline): Uncertain significance. Review status: criteria provided, multiple submitters, no conflicts (2 of 4 stars). 2 submissions from 2 submitters: Uncertain significance (2). Last evaluated 2025-05-08.

Conditions:
Cardiovascular phenotype. Identifiers: MedGen CN230736.
Atrioventricular septal defect 4 (AVSD4). Identifiers: MedGen C3280781, MONDO:0013747, OMIM 614430.

Allele frequency attached by ClinVar (database versions not stated): gnomAD 0.00001.
gnomAD v4.1: 5 of 1,385,036 alleles (0.00036%); highest among the groups gnomAD compares: African/African-American, 0.0046%; no homozygotes.

Submissions (2):

Ambry Genetics
Classification: Uncertain significance for Cardiovascular phenotype. Last evaluated: 2025-05-08. Review status: criteria provided, single submitter. Criteria: Ambry Variant Classification Scheme 2023. Collection method: clinical testing. Allele origin: germline.
Comment: The p.G85C variant (also known as c.253G>T), located in coding exon 1 of the GATA4 gene, results from a G to T substitution at nucleotide position 253. The glycine at codon 85 is replaced by cysteine, an amino acid with highly dissimilar properties. This amino acid position is conserved. In addition, the in silico prediction for this alteration is inconclusive. Since supporting evidence is limited at this time, the clinical significance of this alteration remains unclear.

Labcorp Genetics (formerly Invitae), Labcorp
Classification: Uncertain significance for Atrioventricular septal defect 4. Last evaluated: 2023-08-16. Review status: criteria provided, single submitter. Criteria: Invitae Variant Classification Sherloc (09022015). Collection method: clinical testing. Allele origin: germline.
Comment: This sequence change replaces glycine, which is neutral and non-polar, with cysteine, which is neutral and slightly polar, at codon 85 of the GATA4 protein (p.Gly85Cys). This variant is present in population databases (no rsID available, gnomAD 0.01%). This variant has not been reported in the literature in individuals affected with GATA4-related conditions. ClinVar contains an entry for this variant (Variation ID: 2566793). Advanced modeling of protein sequence and biophysical properties (such as structural, functional, and spatial information, amino acid conservation, physicochemical variation, residue mobility, and thermodynamic stability) has been performed at Invitae for this missense variant, however the output from this modeling did not meet the statistical confidence thresholds required to predict the impact of this variant on GATA4 protein function. In summary, the available evidence is currently insufficient to determine the role of this variant in disease. Therefore, it has been classified as a Variant of Uncertain Significance.